The following is an entry in ClinVar:

NM_000500.9(CYP21A2):c.1025G>C (p.Arg342Pro)

Genes: CYP21A2 (cytochrome P450 family 21 subfamily A member 2; plus strand), LOC106780800 (CYP21A2 recombination region; plus strand). Cytogenetic location: 6p21.33.
Variant type: single nucleotide variant.
Coding change: c.1025G>C on transcript NM_000500.9 (MANE Select); coding-DNA position 1025, G replaced by C.
Protein change: p.Arg342Pro; replaces arginine 342 with proline.
Molecular consequence: missense variant.
Genome position (GRCh38, 1-based): chr6:32,040,491, G>C. VCF-style: chr6-32040491-G-C. GRCh37 (hg19) VCF-style: chr6-32008268-G-C.
Other names: c.935G>C, p.Arg312Pro (NM_001128590.4); c.620G>C, p.Arg207Pro (NM_001368143.2, NM_001368144.2); short protein forms R342P, R207P, R312P.
Identifiers: ClinVar variation 3572102 (VCV003572102.2).

ClinVar aggregate classification (germline): Pathogenic. Review status: criteria provided, multiple submitters, no conflicts (2 of 4 stars). 2 submissions from 2 submitters: Pathogenic (2). Last evaluated 2026-03-27.

Conditions:
CYP21A2-related disorder. Also called: CYP21A2-related condition.

Submissions (2):

PreventionGenetics, part of Exact Sciences
Classification: Pathogenic for CYP21A2-related condition. Last evaluated: 2026-03-27. Review status: criteria provided, single submitter. Criteria: ACMG Guidelines, 2015. Collection method: clinical testing. Allele origin: germline.
Comment: The CYP21A2 c.1025G>C variant is predicted to result in the amino acid substitution p.Arg342Pro. This variant has been reported to be pathogenic for congenital adrenal hyperplasia (CAH) due to 2-3% residual enzymatic activity and likely associated with simple virilizing (SV) CAH (also known as R341P in the literature; Balsamo et al. 2003. PubMed ID: 14671153; Table S1a, Gialluisi et al. 2017. PubMed ID: 28644547; Supplemental Table 1, Pecori Giraldi et al. 2021. PubMed ID: 33666875; Tardy et al. 2010. PubMed ID: 20080860; Barbaro et al. 2006. PubMed ID: 16541276). This variant has not been reported in a large population database (gnomAD), indicating this variant is rare. This variant falls within a highly paralogous region. Allele frequency data should be interpreted with caution. This rare variant This variant is interpreted as pathogenic.

Quest Diagnostics Nichols Institute San Juan Capistrano
Classification: Pathogenic. Last evaluated: 2024-04-08. Review status: criteria provided, single submitter. Criteria: Quest Diagnostics criteria. Collection method: clinical testing. Allele origin: unknown.
Comment: The CYP21A2 c.1025G>C (p.Arg342Pro) variant (also known as R341P) has been reported in the published literature in individuals with simple virilizing CAH (PMID: 14671153 (2003), 16541276 (2006), 20080860 (2010), 33666875 (2021)). Experimental studies indicate that this variant is associated with 1-2% residual enzyme activity (PMID: 16541276 (2006), 33666875 (2021)). The frequency of this variant in the general population, 0.000013 (2/152264 chromosomes (Genome Aggregation Database)), is consistent with pathogenicity. Based on the available information, this variant is classified as pathogenic.

Literature cited by the submitters: PubMed 14671153 (cited by Quest Diagnostics Nichols Institute San Juan Capistrano); PubMed 20080860 (cited by Quest Diagnostics Nichols Institute San Juan Capistrano); PubMed 16541276 (cited by Quest Diagnostics Nichols Institute San Juan Capistrano); PubMed 33666875 (cited by Quest Diagnostics Nichols Institute San Juan Capistrano); PubMed 28644547 (cited by Quest Diagnostics Nichols Institute San Juan Capistrano).